The following is an entry in ClinVar:

NM_005236.3(ERCC4):c.2062A>T (p.Met688Leu)

Gene: ERCC4 (ERCC excision repair 4, endonuclease catalytic subunit; plus strand). Cytogenetic location: 16p13.12.
Variant type: single nucleotide variant.
Coding change: c.2062A>T on transcript NM_005236.3 (MANE Select); coding-DNA position 2062, A replaced by T.
Protein change: p.Met688Leu; replaces methionine 688 with leucine.
Molecular consequence: missense variant.
Genome position (GRCh38, 1-based): chr16:13,947,658, A>T. VCF-style: chr16-13947658-A-T. GRCh37 (hg19) VCF-style: chr16-14041515-A-T.
Other names: short protein forms M688L.
Identifiers: ClinVar variation 2038515 (VCV002038515.4), dbSNP rs755577606, ClinGen allele CA7910665.

ClinVar aggregate classification (germline): Uncertain significance (1 of 4 stars; one submission).

Conditions:
Xeroderma pigmentosum, group F (XPF). Also called: XERODERMA PIGMENTOSUM, TYPE F; Xeroderma pigmentosum, type 6; XERODERMA PIGMENTOSUM, COMPLEMENTATION GROUP F; ERCC4-Related Xeroderma Pigmentosum; XERODERMA PIGMENTOSUM VI; XP, GROUP F. Identifiers: MedGen C0268140, MONDO:0010215, OMIM 278760.
Cockayne syndrome. Identifiers: Orphanet 191, MedGen C0009207, MONDO:0016006.
Fanconi anemia complementation group Q. Identifiers: Orphanet 84, MedGen C3808988, MONDO:0014108, OMIM 615272.

Allele frequency attached by ClinVar (database versions not stated): gnomAD exomes 0.00001; ExAC 0.00002.
gnomAD v4.1: 7 of 1,614,222 alleles (0.00043%); highest among the groups gnomAD compares: East Asian, 0.013%; no homozygotes.

Submission:

Labcorp Genetics (formerly Invitae), Labcorp
Classification: Uncertain significance for Fanconi anemia complementation group Q; Xeroderma pigmentosum, group F; Cockayne syndrome. Last evaluated: 2022-04-10. Review status: criteria provided, single submitter. Criteria: Invitae Variant Classification Sherloc (09022015). Collection method: clinical testing. Allele origin: germline.
Comment: In summary, the available evidence is currently insufficient to determine the role of this variant in disease. Therefore, it has been classified as a Variant of Uncertain Significance. Algorithms developed to predict the effect of missense changes on protein structure and function (SIFT, PolyPhen-2, Align-GVGD) all suggest that this variant is likely to be tolerated. This sequence change replaces methionine, which is neutral and non-polar, with leucine, which is neutral and non-polar, at codon 688 of the ERCC4 protein (p.Met688Leu). This variant is present in population databases (rs755577606, gnomAD 0.01%). This variant has not been reported in the literature in individuals affected with ERCC4-related conditions.